The following is an entry in ClinVar:

NM_017491.5(WDR1):c.1395+8G>A

Gene: WDR1 (WD repeat domain 1; minus strand). Cytogenetic location: 4p16.1.
Variant type: single nucleotide variant.
Coding change: c.1395+8G>A on transcript NM_017491.5 (MANE Select); 8 bases into the intron after coding-DNA position 1395, G replaced by A.
Molecular consequence: intron variant.
Genome position (GRCh38, 1-based): chr4:10,078,883, C>T on the plus strand (G>A on the coding strand, the complement: WDR1 is on the minus strand). VCF-style: chr4-10078883-C-T. GRCh37 (hg19) VCF-style: chr4-10080507-C-T.
Other names: c.975+8G>A (NM_005112.5); c.1395+8G>A (NM_017491.3).
Identifiers: ClinVar variation 1622171 (VCV001622171.11), dbSNP rs374122996, ClinGen allele CA2857591.

ClinVar aggregate classification (germline): Likely benign. Review status: criteria provided, multiple submitters, no conflicts (2 of 4 stars). 3 submissions from 3 submitters: Likely benign (2). 1 of the submissions does not count toward it. Last evaluated 2025-10-26.

Conditions:
WDR1-related disorder. Also called: WDR1-related condition.

Allele frequency attached by ClinVar (database versions not stated): ExAC 0.00002; gnomAD exomes 0.00002; TOPMed 0.00005; gnomAD 0.00006; ESP Exome Variant Server 0.00008.
gnomAD v4.1: 47 of 1,609,924 alleles (0.0029%); highest among the groups gnomAD compares: African/African-American, 0.015%; 1 homozygote.

Submissions (3):

Labcorp Genetics (formerly Invitae), Labcorp
Classification: Likely benign. Last evaluated: 2025-10-26. Review status: criteria provided, single submitter. Criteria: Invitae Variant Classification Sherloc (09022015). Collection method: clinical testing. Allele origin: germline.

Blueprint Genetics
Classification: Likely benign. Last evaluated: 2020-09-09. Review status: criteria provided, single submitter. Criteria: ACMG Guidelines, 2015. Collection method: clinical testing. Allele origin: germline.

PreventionGenetics, part of Exact Sciences
Classification: Likely benign for WDR1-related condition. Last evaluated: 2023-10-13. Review status: no assertion criteria provided. Collection method: clinical testing. Allele origin: germline. Not counted in ClinVar's aggregate classification.
Comment: This variant is classified as likely benign based on ACMG/AMP sequence variant interpretation guidelines (Richards et al. 2015 PMID: 25741868, with internal and published modifications).